The following is an entry in ClinVar:

ClinVar aggregate classification (germline): Likely pathogenic (1 of 4 stars; one submission).

Allele frequency attached by ClinVar (database versions not stated): TOPMed 0.00001.
gnomAD v4.1: 1 of 1,614,256 alleles (0.000062%); no homozygotes.

Submission:

GeneDx
Classification: Likely pathogenic. Last evaluated: 2024-05-17. Review status: criteria provided, single submitter. Criteria: GeneDx Variant Classification Process June 2021. Collection method: clinical testing. Allele origin: germline. Affected: yes.
Comment: Not observed at significant frequency in large population cohorts (gnomAD); In silico analysis supports that this missense variant has a deleterious effect on protein structure/function; Has not been previously published as pathogenic or benign to our knowledge

NM_003791.4(MBTPS1):c.1241G>C (p.Ser414Thr)

Gene: MBTPS1 (membrane bound transcription factor peptidase, site 1; minus strand). Cytogenetic location: 16q23.3.
Variant type: single nucleotide variant.
Coding change: c.1241G>C on transcript NM_003791.4 (MANE Select); coding-DNA position 1241, G replaced by C.
Protein change: p.Ser414Thr; replaces serine 414 with threonine.
Molecular consequence: missense variant.
Genome position (GRCh38, 1-based): chr16:84,085,028, C>G on the plus strand (G>C on the coding strand, the complement: MBTPS1 is on the minus strand). VCF-style: chr16-84085028-C-G. GRCh37 (hg19) VCF-style: chr16-84118633-C-G.
Other names: short protein forms S414T.
Identifiers: ClinVar variation 1305616 (VCV001305616.3), dbSNP rs774069326, ClinGen allele CA396934944.